The following is an entry in ClinVar:

ClinVar aggregate classification (germline): Uncertain significance (1 of 4 stars; one submission).

gnomAD v4.1: 2 of 1,613,686 alleles (0.00012%); highest among the groups gnomAD compares: Non-Finnish European, 0.00017%; no homozygotes.

Submission:

Labcorp Genetics (formerly Invitae), Labcorp
Classification: Uncertain significance. Last evaluated: 2024-10-22. Review status: criteria provided, single submitter. Criteria: Invitae Variant Classification Sherloc (09022015). Collection method: clinical testing. Allele origin: germline.
Comment: This sequence change replaces leucine, which is neutral and non-polar, with valine, which is neutral and non-polar, at codon 81 of the TBCK protein (p.Leu81Val). This variant is not present in population databases (gnomAD no frequency). This variant has not been reported in the literature in individuals affected with TBCK-related conditions. ClinVar contains an entry for this variant (Variation ID: 2135234). Invitae Evidence Modeling of protein sequence and biophysical properties (such as structural, functional, and spatial information, amino acid conservation, physicochemical variation, residue mobility, and thermodynamic stability) indicates that this missense variant is not expected to disrupt TBCK protein function with a negative predictive value of 80%. In summary, the available evidence is currently insufficient to determine the role of this variant in disease. Therefore, it has been classified as a Variant of Uncertain Significance.

NM_001163435.3(TBCK):c.241T>G (p.Leu81Val)

Gene: TBCK (TBC1 domain containing kinase; minus strand). Cytogenetic location: 4q24.
Variant type: single nucleotide variant.
Coding change: c.241T>G on transcript NM_001163435.3 (MANE Select); coding-DNA position 241, T replaced by G.
Protein change: p.Leu81Val; replaces leucine 81 with valine.
Molecular consequence: missense variant. On other transcripts: 5 prime UTR variant (1).
Genome position (GRCh38, 1-based): chr4:106,295,119, A>C on the plus strand (T>G on the coding strand, the complement: TBCK is on the minus strand). VCF-style: chr4-106295119-A-C. GRCh37 (hg19) VCF-style: chr4-107216276-A-C.
Other names: c.241T>G, p.Leu81Val (NM_001163436.4, NM_001163437.3, NM_033115.5); c.-377T>G (NM_001290768.2); short protein forms L81V.
Identifiers: ClinVar variation 2135234 (VCV002135234.3), dbSNP rs1040431539, ClinGen allele CA357973175.